The following is an entry in ClinVar:

ClinVar aggregate classification (germline): Likely pathogenic (1 of 4 stars; one submission).

Conditions:
SHORT syndrome. Also called: LIPODYSTROPHY, PARTIAL, WITH RIEGER ANOMALY AND SHORT STATURE; SHORT STATURE, HYPEREXTENSIBILITY, HERNIA, OCULAR DEPRESSION, RIEGER ANOMALY, AND TEETHING DELAY; PIK3R1-Related SHORT Syndrome. Identifiers: Orphanet 3163, MedGen C0878684, MONDO:0010026, OMIM 269880.

Submission:

MVZ Medizinische Genetik Mainz
Classification: Likely pathogenic for SHORT syndrome. Last evaluated: 2023-04-28. Review status: criteria provided, single submitter. Criteria: UK Practice Guidelines For Variant Classification V4 01 2020. Collection method: clinical testing. Allele origin: germline. Inheritance: Autosomal dominant inheritance. Affected: yes. Observed: 1 variant allele.
Comment: ACMG Criteria: PVS1,PM2_SUP

NM_181523.3(PIK3R1):c.1708dup (p.Leu570fs)

Gene: PIK3R1 (phosphoinositide-3-kinase regulatory subunit 1; plus strand). Cytogenetic location: 5q13.1.
Variant type: Duplication.
Coding change: c.1708dup on transcript NM_181523.3 (MANE Select); coding-DNA position 1708, one base duplicated (C; older notation c.1708dupC).
Protein change: p.Leu570fs; shifts the reading frame from leucine 570.
Molecular consequence: frameshift variant.
Genome position (GRCh38, 1-based): chr5:68,295,287, C duplicated; the last of 2 consecutive C bases (chr5:68,295,286-68,295,287); duplicating either gives the same sequence. VCF-style (leftmost placement, unchanged base first): chr5-68295285-A-AC. GRCh37 (hg19) VCF-style: chr5-67591113-A-AC.
Other names: c.619dup, p.Leu207fs (NM_001242466.2); c.898dup, p.Leu300fs (NM_181504.4); c.808dup, p.Leu270fs (NM_181524.2); short protein forms L207fs, L270fs, L300fs, L570fs.
Identifiers: ClinVar variation 3235185 (VCV003235185.1), dbSNP rs2531011660.
Genomic context (GRCh38, chr5:68,295,285, plus strand): 5'-TGAAGAAGCAGGCAGCTGAGTATCGAGAAATTGACAAACGTATGAACAGCATTAAACCAG[A>AC]CCTTATCCAGCTGAGAAAGACGAGAGACCAATACTTGATGTAAGTATTTGAAATGGAATC-3'